The following is an entry in ClinVar:

NM_005068.3(SIM1):c.426C>G (p.Ala142=)

Gene: SIM1 (SIM bHLH transcription factor 1; minus strand). Cytogenetic location: 6q16.3.
Variant type: single nucleotide variant.
Coding change: c.426C>G on transcript NM_005068.3 (MANE Select); coding-DNA position 426, C replaced by G.
Protein change: p.Ala142=; no amino-acid change (alanine 142 retained).
Molecular consequence: synonymous variant.
Genome position (GRCh38, 1-based): chr6:100,449,622, G>C on the plus strand (C>G on the coding strand, the complement: SIM1 is on the minus strand). VCF-style: chr6-100449622-G-C. GRCh37 (hg19) VCF-style: chr6-100897498-G-C.
Other names: c.426C>G, p.Ala142= (NM_001374769.1).
Identifiers: ClinVar variation 4985238 (VCV004985238.1).

ClinVar aggregate classification (germline): Likely benign (1 of 4 stars; one submission).

Conditions:
SIM1-related disorder. Also called: SIM1-related disorders; SIM1-related condition.

gnomAD v4.1: 1 of 1,614,140 alleles (0.000062%); highest among the groups gnomAD compares: Non-Finnish European, 0.000085%; no homozygotes.

Submission:

PreventionGenetics, part of Exact Sciences
Classification: Likely benign for SIM1-related condition. Last evaluated: 2025-03-24. Review status: criteria provided, single submitter. Criteria: ACMG Guidelines, 2015. Collection method: clinical testing. Allele origin: germline.
Comment: This variant is classified as likely benign based on ACMG/AMP sequence variant interpretation guidelines (Richards et al. 2015 PMID: 25741868, with internal and published modifications).